The following is an entry in ClinVar:

ClinVar aggregate classification (germline): Uncertain significance (1 of 4 stars; one submission).

Allele frequency attached by ClinVar (database versions not stated): gnomAD exomes 0.00001.
gnomAD v4.1: 22 of 1,573,914 alleles (0.0014%); highest among the groups gnomAD compares: Non-Finnish European, 0.0016%; no homozygotes.

Submission:

Labcorp Genetics (formerly Invitae), Labcorp
Classification: Uncertain significance. Last evaluated: 2021-09-24. Review status: criteria provided, single submitter. Criteria: Invitae Variant Classification Sherloc (09022015). Collection method: clinical testing. Allele origin: germline.
Comment: This sequence change replaces proline with arginine at codon 3193 of the SZT2 protein (p.Pro3193Arg). The proline residue is highly conserved and there is a moderate physicochemical difference between proline and arginine. This variant is not present in population databases (ExAC no frequency). This variant has not been reported in the literature in individuals with SZT2-related conditions. Algorithms developed to predict the effect of missense changes on protein structure and function are either unavailable or do not agree on the potential impact of this missense change (SIFT: "Tolerated"; PolyPhen-2: "Probably Damaging"; Align-GVGD: "Class C0"). In summary, the available evidence is currently insufficient to determine the role of this variant in disease. Therefore, it has been classified as a Variant of Uncertain Significance.

NM_001365999.1(SZT2):c.9749C>G (p.Pro3250Arg)

Genes: SZT2 (SZT2 subunit of KICSTOR complex; plus strand), SZT2-AS1 (SZT2 antisense RNA 1; minus strand). Cytogenetic location: 1p34.2.
Variant type: single nucleotide variant.
Coding change: c.9749C>G on transcript NM_001365999.1 (MANE Select); coding-DNA position 9749, C replaced by G.
Protein change: p.Pro3250Arg; replaces proline 3250 with arginine.
Molecular consequence: missense variant. On other transcripts: non-coding transcript variant (1).
Genome position (GRCh38, 1-based): chr1:43,448,264, C>G. VCF-style: chr1-43448264-C-G. GRCh37 (hg19) VCF-style: chr1-43913935-C-G.
Other names: c.9578C>G, p.Pro3193Arg (NM_015284.4); short protein forms P3193R, P3250R.
Identifiers: ClinVar variation 1359285 (VCV001359285.5), dbSNP rs759710717, ClinGen allele CA21653285.